The following is an entry in ClinVar:

ClinVar aggregate classification (germline): Uncertain significance (1 of 4 stars; one submission).

Conditions:
PCNT-related disorder. Also called: PCNT-related condition.

gnomAD v4.1: 8 of 1,614,114 alleles (0.0005%); highest among the groups gnomAD compares: Non-Finnish European, 0.00059%; no homozygotes.

Submission:

PreventionGenetics, part of Exact Sciences
Classification: Uncertain significance for PCNT-related condition. Last evaluated: 2026-09-24. Review status: criteria provided, single submitter. Criteria: ACMG Guidelines, 2015. Collection method: clinical testing. Allele origin: germline.
Comment: The PCNT c.9358G>C variant is predicted to result in the amino acid substitution p.Ala3120Pro. To our knowledge, this variant has not been reported in the literature or in a large population database (gnomAD), indicating this variant is rare. At this time, the clinical significance of this variant is uncertain due to the absence of conclusive functional and genetic evidence.

NM_006031.6(PCNT):c.9358G>C (p.Ala3120Pro)

Gene: PCNT (pericentrin; plus strand). Cytogenetic location: 21q22.3.
Variant type: single nucleotide variant.
Coding change: c.9358G>C on transcript NM_006031.6 (MANE Select); coding-DNA position 9358, G replaced by C.
Protein change: p.Ala3120Pro; replaces alanine 3120 with proline.
Molecular consequence: missense variant.
Genome position (GRCh38, 1-based): chr21:46,440,167, G>C. VCF-style: chr21-46440167-G-C. GRCh37 (hg19) VCF-style: chr21-47860080-G-C.
Other names: c.8767G>C, p.Ala2923Pro (NM_001315529.2); short protein forms A2923P, A3120P.
Identifiers: ClinVar variation 4993977 (VCV004993977.1).